The following is an entry in ClinVar:

ClinVar aggregate classification (germline): Uncertain significance (1 of 4 stars; one submission).

gnomAD v4.1: 16 of 1,613,926 alleles (0.00099%); highest among the groups gnomAD compares: East Asian, 0.0067%; no homozygotes.

Submission:

GeneDx
Classification: Uncertain significance. Last evaluated: 2024-10-17. Review status: criteria provided, single submitter. Criteria: GeneDx Variant Classification Process June 2021. Collection method: clinical testing. Allele origin: germline. Affected: yes.
Comment: Not observed at significant frequency in large population cohorts (gnomAD); In silico analysis supports that this missense variant has a deleterious effect on protein structure/function; Has not been previously published as pathogenic or benign to our knowledge

NM_001257180.2(SLC20A2):c.229G>A (p.Val77Met)

Gene: SLC20A2 (solute carrier family 20 member 2; minus strand). Cytogenetic location: 8p11.21.
Variant type: single nucleotide variant.
Coding change: c.229G>A on transcript NM_001257180.2 (MANE Select); coding-DNA position 229, G replaced by A.
Protein change: p.Val77Met; replaces valine 77 with methionine.
Molecular consequence: missense variant.
Genome position (GRCh38, 1-based): chr8:42,472,162, C>T on the plus strand (G>A on the coding strand, the complement: SLC20A2 is on the minus strand). VCF-style: chr8-42472162-C-T. GRCh37 (hg19) VCF-style: chr8-42329680-C-T.
Other names: c.229G>A, p.Val77Met (NM_001257181.2, NM_006749.5); short protein forms V77M.
Identifiers: ClinVar variation 3781180 (VCV003781180.1).